The following is an entry in ClinVar:

ClinVar aggregate classification (germline): Uncertain significance. Review status: criteria provided, multiple submitters, no conflicts (2 of 4 stars). 2 submissions from 2 submitters: Uncertain significance (2). Last evaluated 2024-09-12.

Conditions:
Inborn genetic diseases. Identifiers: MedGen C0950123, MeSH D030342.

Allele frequency attached by ClinVar (database versions not stated): gnomAD exomes below 0.00001; gnomAD 0.00001; TOPMed 0.00001.
gnomAD v4.1: 3 of 1,613,792 alleles (0.00019%); highest among the groups gnomAD compares: Non-Finnish European, 0.00025%; no homozygotes.

Submissions (2):

Blueprint Genetics
Classification: Uncertain significance. Last evaluated: 2024-09-12. Review status: criteria provided, single submitter. Criteria: ACMG Guidelines, 2015. Collection method: clinical testing. Allele origin: germline.

Ambry Genetics
Classification: Uncertain significance for Inborn genetic diseases. Last evaluated: 2019-11-07. Review status: criteria provided, single submitter. Criteria: Ambry Variant Classification Scheme 2023. Collection method: clinical testing. Allele origin: germline.
Comment: The p.D3321Y variant (also known as c.9961G>T), located in coding exon 55 of the DST gene, results from a G to T substitution at nucleotide position 9961. The aspartic acid at codon 3321 is replaced by tyrosine, an amino acid with highly dissimilar properties. This amino acid position is poorly conserved in available vertebrate species. In addition, the in silico prediction for this alteration is inconclusive. Since supporting evidence is limited at this time, the clinical significance of this alteration remains unclear.

NM_001374736.1(DST):c.16318G>T (p.Asp5440Tyr)

Gene: DST (dystonin; minus strand). Cytogenetic location: 6p12.1.
Variant type: single nucleotide variant.
Coding change: c.16318G>T on transcript NM_001374736.1 (MANE Select); coding-DNA position 16318, G replaced by T.
Protein change: p.Asp5440Tyr; replaces aspartic acid 5440 with tyrosine.
Molecular consequence: missense variant.
Genome position (GRCh38, 1-based): chr6:56,552,474, C>A on the plus strand (G>T on the coding strand, the complement: DST is on the minus strand). VCF-style: chr6-56552474-C-A. GRCh37 (hg19) VCF-style: chr6-56417272-C-A.
Other names: c.9961G>T, p.Asp3321Tyr (NM_001144769.5); c.9547G>T, p.Asp3183Tyr (NM_001144770.2); c.16318G>T, p.Asp5440Tyr (NM_001374722.1); c.15685G>T, p.Asp5229Tyr (NM_001374729.1); c.9427G>T, p.Asp3143Tyr (NM_001374730.1, NM_001386100.1, NM_183380.4); c.16345G>T, p.Asp5449Tyr (NM_001374734.1); c.8449G>T, p.Asp2817Tyr (NM_015548.5); short protein forms D5449Y, D2817Y, D3183Y, D5229Y, D3143Y, D3321Y, D5440Y.
Identifiers: ClinVar variation 1768742 (VCV001768742.3), dbSNP rs1468842195, ClinGen allele CA364513875.
Genomic context (GRCh38, chr6:56,552,474, plus strand): 5'-CAAGGTCAGGAGAGGTTTCTTCTGTGGCTAACATCATCTTGCAGGTTTTATTGGCATTGT[C>A]ATTGCTTGCCATGAGGGCTTCTAGTTTCTTTAGAAAGGCTTTTATAGTTTCCTTTTGCTT-3'
Protein context (NP_001361665.1, residues 5430-5450): KKLEALMASN[Asp5440Tyr]NANKTCKMML